The following is an entry in ClinVar:

NM_198252.3(GSN):c.902C>T (p.Thr301Met)

Gene: GSN (gelsolin; plus strand). Cytogenetic location: 9q33.2.
Variant type: single nucleotide variant.
Coding change: c.902C>T on transcript NM_198252.3 (MANE Select); coding-DNA position 902, C replaced by T.
Protein change: p.Thr301Met; replaces threonine 301 with methionine.
Molecular consequence: missense variant.
Genome position (GRCh38, 1-based): chr9:121,318,421, C>T. VCF-style: chr9-121318421-C-T. GRCh37 (hg19) VCF-style: chr9-124080699-C-T.
Other names: c.1055C>T, p.Thr352Met (NM_000177.5); c.902C>T, p.Thr301Met (NM_001127662.2, NM_001127664.2, NM_001127665.2 and 10 more transcripts); c.1010C>T, p.Thr337Met (NM_001127663.2); c.935C>T, p.Thr312Met (NM_001127666.2, NM_001127667.2, NM_001353063.2 and 13 more transcripts); c.953C>T, p.Thr318Met (NM_001258029.2); c.926C>T, p.Thr309Met (NM_001258030.2); c.974C>T, p.Thr325Met (NM_001353076.2); c.248C>T, p.Thr83Met (NM_001353078.2); short protein forms T309M, T337M, T318M, T301M, T325M, T83M, T312M, T352M.
Identifiers: ClinVar variation 1949387 (VCV001949387.6), dbSNP rs1469592806, ClinGen allele CA374745448.

ClinVar aggregate classification (germline): Uncertain significance. Review status: criteria provided, multiple submitters, no conflicts (2 of 4 stars). 2 submissions from 2 submitters: Uncertain significance (2). Last evaluated 2025-04-21.

Conditions:
Finnish type amyloidosis. Also called: Lattice corneal dystrophy associated with familial systemic amyloidosis; Meretoja's syndrome; Lattice dystrophy of the cornea with hereditary generalized amyloidosis; AMYLOID CRANIAL NEUROPATHY WITH LATTICE CORNEAL DYSTROPHY; AMYLOIDOSIS DUE TO MUTANT GELSOLIN; Amyloidosis, familial, Finnish type. Identifiers: Orphanet 85448, MedGen C1622345, MONDO:0007097, OMIM 105120.

Allele frequency attached by ClinVar (database versions not stated): gnomAD 0.00001; gnomAD exomes 0.00001; TOPMed 0.00003.
gnomAD v4.1: 9 of 1,613,906 alleles (0.00056%); highest among the groups gnomAD compares: East Asian, 0.0067%; no homozygotes.

Submissions (2):

Labcorp Genetics (formerly Invitae), Labcorp
Classification: Uncertain significance. Last evaluated: 2025-04-21. Review status: criteria provided, single submitter. Criteria: Invitae Variant Classification Sherloc (09022015). Collection method: clinical testing. Allele origin: germline.
Comment: This sequence change replaces threonine, which is neutral and polar, with methionine, which is neutral and non-polar, at codon 352 of the GSN protein (p.Thr352Met). This variant is not present in population databases (gnomAD no frequency). This variant has not been reported in the literature in individuals affected with GSN-related conditions. ClinVar contains an entry for this variant (Variation ID: 1949387). An algorithm developed to predict the effect of missense changes on protein structure and function outputs the following: PolyPhen-2: "Benign". The methionine amino acid residue is found in multiple mammalian species, which suggests that this missense change does not adversely affect protein function. In summary, the available evidence is currently insufficient to determine the role of this variant in disease. Therefore, it has been classified as a Variant of Uncertain Significance.

Fulgent Genetics
Classification: Uncertain significance for Finnish type amyloidosis. Last evaluated: 2024-05-07. Review status: criteria provided, single submitter. Criteria: ACMG Guidelines, 2015. Collection method: clinical testing. Allele origin: germline.